The following is an entry in ClinVar:

NM_000444.6(PHEX):c.1454A>G (p.Asp485Gly)

Genes: PHEX (phosphate regulating endopeptidase X-linked; plus strand), PHEX-AS1 (PHEX antisense RNA 1; minus strand). Cytogenetic location: Xp22.11.
Variant type: single nucleotide variant.
Coding change: c.1454A>G on transcript NM_000444.6 (MANE Select); coding-DNA position 1454, A replaced by G.
Protein change: p.Asp485Gly; replaces aspartic acid 485 with glycine.
Molecular consequence: missense variant.
Genome position (GRCh38, 1-based): chrX:22,168,361, A>G. VCF-style: chrX-22168361-A-G. GRCh37 (hg19) VCF-style: chrX-22186478-A-G.
Other names: c.1454A>G, p.Asp485Gly (NM_001282754.2); short protein forms D485G.
Identifiers: ClinVar variation 2078121 (VCV002078121.5), dbSNP rs1470415679, ClinGen allele CA412574051.

ClinVar aggregate classification (germline): Uncertain significance. Review status: criteria provided, multiple submitters, no conflicts (2 of 4 stars). 2 submissions from 2 submitters: Uncertain significance (2). Last evaluated 2022-03-04.

Allele frequency attached by ClinVar (database versions not stated): TOPMed 0.00001.
gnomAD v4.1: 2 of 1,193,558 alleles (0.00017%); no homozygotes.

Submissions (2):

Labcorp Genetics (formerly Invitae), Labcorp
Classification: Uncertain significance. Last evaluated: 2022-03-04. Review status: criteria provided, single submitter. Criteria: Invitae Variant Classification Sherloc (09022015). Collection method: clinical testing. Allele origin: germline.
Comment: This sequence change replaces aspartic acid, which is acidic and polar, with glycine, which is neutral and non-polar, at codon 485 of the PHEX protein (p.Asp485Gly). This variant is not present in population databases (gnomAD no frequency). This variant has not been reported in the literature in individuals affected with PHEX-related conditions. Advanced modeling of protein sequence and biophysical properties (such as structural, functional, and spatial information, amino acid conservation, physicochemical variation, residue mobility, and thermodynamic stability) performed at Invitae indicates that this missense variant is not expected to disrupt PHEX protein function. In summary, the available evidence is currently insufficient to determine the role of this variant in disease. Therefore, it has been classified as a Variant of Uncertain Significance.

Blueprint Genetics
Classification: Uncertain significance. Last evaluated: 2022-01-27. Review status: criteria provided, single submitter. Criteria: ACMG Guidelines, 2015. Collection method: clinical testing. Allele origin: germline.